The following is an entry in ClinVar:

ClinVar aggregate classification (germline): Uncertain significance. Review status: criteria provided, multiple submitters, no conflicts (2 of 4 stars). 2 submissions from 2 submitters: Uncertain significance (2). Last evaluated 2023-10-11.

Conditions:
Hereditary cancer-predisposing syndrome. Also called: Hereditary Cancer Syndrome; Neoplastic Syndromes, Hereditary; Tumor predisposition; Hereditary neoplastic syndrome. Identifiers: Orphanet 140162, MedGen C0027672, MeSH D009386, MONDO:0015356.

Allele frequency attached by ClinVar (database versions not stated): gnomAD exomes below 0.00001; TOPMed 0.00001.

Submissions (2):

Ambry Genetics
Classification: Uncertain significance for Hereditary cancer-predisposing syndrome. Last evaluated: 2023-10-11. Review status: criteria provided, single submitter. Criteria: Ambry Variant Classification Scheme 2023. Collection method: clinical testing. Allele origin: germline.
Comment: The p.M156T variant (also known as c.467T>C), located in coding exon 4 of the SMARCB1 gene, results from a T to C substitution at nucleotide position 467. The methionine at codon 156 is replaced by threonine, an amino acid with similar properties. This amino acid position is well conserved in available vertebrate species. In addition, the in silico prediction for this alteration is inconclusive. Missense and in-frame variants in SMARCB1 are known to cause neurodevelopmental disorders; however, such associations with rhabdoid tumor predisposition syndrome are exceedingly rare (Kosho T et al. Am J Med Genet C Semin Med Genet. 2014 Sep;166C(3):262-75; Eaton KW et al. Pediatr Blood Cancer. 2011 Jan;56(1):7-15). Since supporting evidence is limited at this time, the clinical significance of this alteration remains unclear.

Labcorp Genetics (formerly Invitae), Labcorp
Classification: Uncertain significance. Last evaluated: 2022-08-04. Review status: criteria provided, single submitter. Criteria: Invitae Variant Classification Sherloc (09022015). Collection method: clinical testing. Allele origin: germline.
Comment: Algorithms developed to predict the effect of missense changes on protein structure and function are either unavailable or do not agree on the potential impact of this missense change (SIFT: "Deleterious"; PolyPhen-2: "Benign"; Align-GVGD: "Class C0"). This variant has not been reported in the literature in individuals affected with SMARCB1-related conditions. This variant is not present in population databases (gnomAD no frequency). This sequence change replaces methionine, which is neutral and non-polar, with threonine, which is neutral and polar, at codon 156 of the SMARCB1 protein (p.Met156Thr). In summary, the available evidence is currently insufficient to determine the role of this variant in disease. Therefore, it has been classified as a Variant of Uncertain Significance.

NM_003073.5(SMARCB1):c.467T>C (p.Met156Thr)

Gene: SMARCB1 (SWI/SNF related BAF chromatin remodeling complex subunit B1; plus strand). Cytogenetic location: 22q11.23.
Variant type: single nucleotide variant.
Coding change: c.467T>C on transcript NM_003073.5 (MANE Select); coding-DNA position 467, T replaced by C.
Protein change: p.Met156Thr; replaces methionine 156 with threonine.
Molecular consequence: missense variant.
Genome position (GRCh38, 1-based): chr22:23,801,048, T>C. VCF-style: chr22-23801048-T-C. GRCh37 (hg19) VCF-style: chr22-24143235-T-C.
Other names: c.440T>C, p.Met147Thr (NM_001007468.3, NM_001317946.2); c.467T>C, p.Met156Thr (NM_001362877.2); short protein forms M147T, M156T.
Identifiers: ClinVar variation 2179538 (VCV002179538.5), dbSNP rs1255628401, ClinGen allele CA410934518.
Genomic context (GRCh38, chr22:23,801,048, plus strand): 5'-CCAACAGCTCCCACCACTTAGATGCCGTGCCATGCTCCACAACCATCAACAGGAACCGCA[T>C]GGGCCGAGACAAGAAGAGAACCTTCCCCCTTTGGTGTGGATGCATCGCTGCACTCACCCT-3'
Protein context (NP_003064.2, residues 146-166): PCSTTINRNR[Met156Thr]GRDKKRTFPL